The following is an entry in ClinVar:

NM_000391.4(TPP1):c.891G>T (p.Arg297=)

Gene: TPP1 (tripeptidyl peptidase 1; minus strand). Cytogenetic location: 11p15.4.
Variant type: single nucleotide variant.
Coding change: c.891G>T on transcript NM_000391.4 (MANE Select); coding-DNA position 891, G replaced by T.
Protein change: p.Arg297=; no amino-acid change (arginine 297 retained).
Molecular consequence: synonymous variant.
Genome position (GRCh38, 1-based): chr11:6,616,499, C>A on the plus strand (G>T on the coding strand, the complement: TPP1 is on the minus strand). VCF-style: chr11-6616499-C-A. GRCh37 (hg19) VCF-style: chr11-6637730-C-A.
Identifiers: ClinVar variation 1091565 (VCV001091565.14), dbSNP rs750527536, ClinGen allele CA5858808.
Genomic context (GRCh38, chr11:6,616,499, plus strand): 5'-CAGGGCTGACTCATTACTGAGCAGCATGAGCCACTGCAGGAAGGGCTCCTGTCCCTCATG[C>A]CGGCCTGGATTTTTTTTTTTTTTTTTTTTGAGGGATGGGCACAAAGATAGTCACTGGGGG-3'
Protein context (NP_000382.3, residues 287-307): ISTWVYSSPG[Arg297=]HEGQEPFLQW

ClinVar aggregate classification (germline): Conflicting classifications of pathogenicity. Review status: criteria provided, conflicting classifications (1 of 4 stars). 3 submissions from 3 submitters: Uncertain significance (1); Likely benign (2). Last evaluated 2024-06-28.

Allele frequency attached by ClinVar (database versions not stated): gnomAD 0.00001; gnomAD exomes 0.00003; ExAC 0.00007.

Submissions (3):

Blueprint Genetics
Classification: Likely benign. Last evaluated: 2024-06-28. Review status: criteria provided, single submitter. Criteria: ACMG Guidelines, 2015. Collection method: clinical testing. Allele origin: germline.

Labcorp Genetics (formerly Invitae), Labcorp
Classification: Likely benign. Last evaluated: 2024-02-01. Review status: criteria provided, single submitter. Criteria: Invitae Variant Classification Sherloc (09022015). Collection method: clinical testing. Allele origin: germline.

GeneDx
Classification: Uncertain significance. Last evaluated: 2021-06-29. Review status: criteria provided, single submitter. Criteria: GeneDx Variant Classification Process June 2021. Collection method: clinical testing. Allele origin: germline. Affected: yes.
Comment: Has not been previously published as pathogenic or benign to our knowledge; In-silico analysis, which includes splice predictors and evolutionary conservation, is inconclusive as to whether the variant alters gene splicing. In the absence of RNA/functional studies, the actual effect of this sequence change is unknown.; This variant is associated with the following publications: (PMID: 27535533)